The following is an entry in ClinVar:

ClinVar aggregate classification (germline): Uncertain significance (1 of 4 stars; one submission).

Conditions:
Dyskeratosis congenita, autosomal recessive 6 (DKCB6). Identifiers: MedGen C4225356, MONDO:0014600, OMIM 616353.
Pulmonary fibrosis and/or bone marrow failure, Telomere-related, 4. Also called: PULMONARY FIBROSIS AND/OR BONE MARROW FAILURE SYNDROME, TELOMERE-RELATED, 4. Identifiers: Orphanet 2032, MedGen C4225347, MONDO:0014612, OMIM 616371.

Submission:

Labcorp Genetics (formerly Invitae), Labcorp
Classification: Uncertain significance for Dyskeratosis congenita, autosomal recessive 6; Pulmonary fibrosis and/or bone marrow failure, Telomere-related, 4. Last evaluated: 2022-10-18. Review status: criteria provided, single submitter. Criteria: Invitae Variant Classification Sherloc (09022015). Collection method: clinical testing. Allele origin: germline.
Comment: In summary, the available evidence is currently insufficient to determine the role of this variant in disease. Therefore, it has been classified as a Variant of Uncertain Significance. Algorithms developed to predict the effect of sequence changes on RNA splicing suggest that this variant may disrupt the consensus splice site. Advanced modeling of protein sequence and biophysical properties (such as structural, functional, and spatial information, amino acid conservation, physicochemical variation, residue mobility, and thermodynamic stability) performed at Invitae indicates that this missense variant is not expected to disrupt PARN protein function. This variant has not been reported in the literature in individuals affected with PARN-related conditions. This variant is not present in population databases (gnomAD no frequency). This sequence change replaces serine, which is neutral and polar, with leucine, which is neutral and non-polar, at codon 81 of the PARN protein (p.Ser81Leu).

NM_002582.4(PARN):c.242C>T (p.Ser81Leu)

Gene: PARN (poly(A)-specific ribonuclease; minus strand). Cytogenetic location: 16p13.12.
Variant type: single nucleotide variant.
Coding change: c.242C>T on transcript NM_002582.4 (MANE Select); coding-DNA position 242, C replaced by T.
Protein change: p.Ser81Leu; replaces serine 81 with leucine.
Molecular consequence: missense variant. On other transcripts: intron variant (1).
Genome position (GRCh38, 1-based): chr16:14,627,272, G>A on the plus strand (C>T on the coding strand, the complement: PARN is on the minus strand). VCF-style: chr16-14627272-G-A. GRCh37 (hg19) VCF-style: chr16-14721129-G-A.
Other names: c.59C>T, p.Ser20Leu (NM_001134477.3); c.159-136C>T (NM_001242992.2); short protein forms S20L, S81L.
Identifiers: ClinVar variation 2189635 (VCV002189635.4), dbSNP rs1972734077, ClinGen allele CA394816214.